The following is an entry in ClinVar:

ClinVar aggregate classification (germline): Likely benign (1 of 4 stars; one submission).

gnomAD v4.1: 31 of 1,608,368 alleles (0.0019%); highest among the groups gnomAD compares: Middle Eastern, 0.05%; 1 homozygote.

Submission:

CeGaT Center for Human Genetics Tuebingen
Classification: Likely benign. Last evaluated: 2025-10-01. Review status: criteria provided, single submitter. Criteria: CeGaT Center For Human Genetics Tuebingen Variant Classification Criteria Version 2. Collection method: clinical testing. Allele origin: germline. Affected: yes. Observed: 1 variant allele.
Comment: FCGR3B: BP4, BP7

NM_001244753.2(FCGR3B):c.501C>T (p.Ser167=)

Gene: FCGR3B (Fc gamma receptor IIIb; minus strand). Cytogenetic location: 1q23.3.
Variant type: single nucleotide variant.
Coding change: c.501C>T on transcript NM_001244753.2 (MANE Select); coding-DNA position 501, C replaced by T.
Protein change: p.Ser167=; no amino-acid change (serine 167 retained).
Molecular consequence: synonymous variant. On other transcripts: intron variant (1).
Genome position (GRCh38, 1-based): chr1:161,626,221, G>A on the plus strand (C>T on the coding strand, the complement: FCGR3B is on the minus strand). VCF-style: chr1-161626221-G-A. GRCh37 (hg19) VCF-style: chr1-161596011-G-A.
Other names: c.501C>T, p.Ser167= (NM_000570.5); c.498C>T, p.Ser166= (NM_001271035.2); c.450C>T, p.Ser150= (NM_001271036.2); c.269-1582C>T (NM_001271037.2).
Identifiers: ClinVar variation 4533472 (VCV004533472.6).